The following is an entry in ClinVar:

NM_016824.5(ADD3):c.2071A>G (p.Thr691Ala)

Gene: ADD3 (adducin 3; plus strand). Cytogenetic location: 10q25.2.
Variant type: single nucleotide variant.
Coding change: c.2071A>G on transcript NM_016824.5 (MANE Select); coding-DNA position 2071, A replaced by G.
Protein change: p.Thr691Ala; replaces threonine 691 with alanine.
Molecular consequence: missense variant.
Genome position (GRCh38, 1-based): chr10:110,133,568, A>G. VCF-style: chr10-110133568-A-G. GRCh37 (hg19) VCF-style: chr10-111893326-A-G.
Other names: c.1975A>G, p.Thr659Ala (NM_001121.4, NM_019903.5); c.2071A>G, p.Thr691Ala (NM_001320591.2, NM_001320592.2, NM_001320593.2); c.1837A>G, p.Thr613Ala (NM_001320594.2); short protein forms T613A, T659A, T691A.
Identifiers: ClinVar variation 1714084 (VCV001714084.5), dbSNP rs776059766, ClinGen allele CA5686804.

ClinVar aggregate classification (germline): Uncertain significance (1 of 4 stars; one submission).

Allele frequency attached by ClinVar (database versions not stated): ExAC 0.00001.

Submission:

Labcorp Genetics (formerly Invitae), Labcorp
Classification: Uncertain significance. Last evaluated: 2022-07-29. Review status: criteria provided, single submitter. Criteria: Invitae Variant Classification Sherloc (09022015). Collection method: clinical testing. Allele origin: germline.
Comment: In summary, the available evidence is currently insufficient to determine the role of this variant in disease. Therefore, it has been classified as a Variant of Uncertain Significance. Experimental studies and prediction algorithms are not available or were not evaluated, and the functional significance of this variant is currently unknown. This variant has not been reported in the literature in individuals affected with ADD3-related conditions. This variant is not present in population databases (gnomAD no frequency). This sequence change replaces threonine, which is neutral and polar, with alanine, which is neutral and non-polar, at codon 691 of the ADD3 protein (p.Thr691Ala).